The following is an entry in ClinVar:

NM_001276270.2(MBD4):c.59T>G (p.Val20Gly)

Gene: MBD4 (methyl-CpG binding domain 4, DNA glycosylase; minus strand). Cytogenetic location: 3q21.3.
Variant type: single nucleotide variant.
Coding change: c.59T>G on transcript NM_001276270.2 (MANE Select); coding-DNA position 59, T replaced by G.
Protein change: p.Val20Gly; replaces valine 20 with glycine.
Molecular consequence: missense variant.
Genome position (GRCh38, 1-based): chr3:129,439,775, A>C on the plus strand (T>G on the coding strand, the complement: MBD4 is on the minus strand). VCF-style: chr3-129439775-A-C. GRCh37 (hg19) VCF-style: chr3-129158618-A-C.
Other names: c.59T>G, p.Val20Gly (NM_001276271.2, NM_001276272.2, NM_001276273.2 and 1 more transcripts); short protein forms V20G.
Identifiers: ClinVar variation 3543808 (VCV003543808.1).

ClinVar aggregate classification (germline): Uncertain significance (1 of 4 stars; one submission).

Conditions:
Inborn genetic diseases. Identifiers: MedGen C0950123, MeSH D030342.

Submission:

Ambry Genetics
Classification: Uncertain significance for Inborn genetic diseases. Last evaluated: 2024-12-08. Review status: criteria provided, single submitter. Criteria: Ambry Variant Classification Scheme 2023. Collection method: clinical testing. Allele origin: germline.
Comment: The p.V20G variant (also known as c.59T>G), located in coding exon 1 of the MBD4 gene, results from a T to G substitution at nucleotide position 59. The valine at codon 20 is replaced by glycine, an amino acid with dissimilar properties. This amino acid position is conserved. In addition, this alteration is predicted to be tolerated by in silico analysis. Based on the available evidence, the clinical significance of this variant remains unclear.